The following is an entry in ClinVar:

ClinVar aggregate classification (germline): Pathogenic. Review status: criteria provided, multiple submitters, no conflicts (2 of 4 stars). 2 submissions from 2 submitters: Pathogenic (2). Last evaluated 2023-05-11.

Conditions:
Familial adenomatous polyposis 1 (FAP1). Also called: FAMILIAL ADENOMATOUS POLYPOSIS 1, ATTENUATED; POLYPOSIS, ADENOMATOUS INTESTINAL. Identifiers: MedGen C2713442, MONDO:0021056, OMIM 175100. Disease mechanism: loss of function.
Hereditary cancer-predisposing syndrome. Also called: Neoplastic Syndromes, Hereditary; Tumor predisposition; Hereditary Cancer Syndrome; Hereditary neoplastic syndrome. Identifiers: Orphanet 140162, MedGen C0027672, MeSH D009386, MONDO:0015356.

Submissions (2):

Myriad Genetics, Inc.
Classification: Pathogenic for Familial adenomatous polyposis 1. Last evaluated: 2023-05-11. Review status: criteria provided, single submitter. Criteria: Myriad Autosomal Dominant, Autosomal Recessive and X-Linked Classification Criteria (2023). Collection method: clinical testing. Allele origin: unknown.
Comment: This variant is considered pathogenic. This variant creates a frameshift predicted to result in premature protein truncation.

Ambry Genetics
Classification: Pathogenic for Hereditary cancer-predisposing syndrome. Last evaluated: 2017-05-12. Review status: criteria provided, single submitter. Criteria: Ambry Variant Classification Scheme 2023. Collection method: clinical testing. Allele origin: germline.
Comment: The c.4682delA pathogenic mutation, located in coding exon 15 of the APC gene, results from a deletion of one nucleotide at nucleotide position 4682, causing a translational frameshift with a predicted alternate stop codon (p.K1561Rfs*4). This alteration is expected to result in loss of function by premature protein truncation. As such, this alteration is interpreted as a disease-causing mutation.

NM_000038.6(APC):c.4682del (p.Lys1561fs)

Gene: APC (APC regulator of Wnt signaling pathway; plus strand). Cytogenetic location: 5q22.2.
Variant type: Deletion.
Coding change: c.4682del on transcript NM_000038.6 (MANE Select); coding-DNA position 4682, one base deleted (A; older notation c.4682delA).
Protein change: p.Lys1561fs; shifts the reading frame from lysine 1561.
Molecular consequence: frameshift variant.
Genome position (GRCh38, 1-based): chr5:112,840,276, A deleted; the last of 4 consecutive A bases (chr5:112,840,273-112,840,276); deleting any one gives the same sequence. VCF-style (leftmost placement, unchanged base first): chr5-112840272-GA-G. GRCh37 (hg19) VCF-style: chr5-112175969-GA-G.
Other names: c.4682del, p.Lys1561fs (NM_001127510.3, NM_001354895.2); c.4628del, p.Lys1543fs (NM_001127511.3); c.4736del, p.Lys1579fs (NM_001354896.2); c.4712del, p.Lys1571fs (NM_001354897.2); c.4607del, p.Lys1536fs (NM_001354898.2); c.4598del, p.Lys1533fs (NM_001354899.2); c.4559del, p.Lys1520fs (NM_001354900.2); c.4505del, p.Lys1502fs (NM_001354901.2); and 5 more; short protein forms K1536fs, K1571fs, K1460fs, K1520fs, K1533fs, K1543fs, K1561fs, K1579fs.
Identifiers: ClinVar variation 485155 (VCV000485155.7), dbSNP rs1114167552, ClinGen allele CA658655951.
Genomic context (GRCh38, chr5:112,840,272, plus strand): 5'-GAGCAGCCTAAAGAATCAAATGAAAACCAAGAGAAAGAGGCAGAAAAAACTATTGATTCT[GA>G]AAAGGACCTATTAGATGATTCAGATGATGATGATATTGAAATACTAGAAGAATGTATTAT-3'